The following is an entry in ClinVar:

ClinVar aggregate classification (germline): Uncertain significance (1 of 4 stars; one submission).

Allele frequency attached by ClinVar (database versions not stated): gnomAD exomes below 0.00001.
gnomAD v4.1: 2 of 1,613,938 alleles (0.00012%); highest among the groups gnomAD compares: Non-Finnish European, 0.00017%; no homozygotes.

Submission:

Labcorp Genetics (formerly Invitae), Labcorp
Classification: Uncertain significance. Last evaluated: 2023-06-25. Review status: criteria provided, single submitter. Criteria: Invitae Variant Classification Sherloc (09022015). Collection method: clinical testing. Allele origin: germline.
Comment: In summary, the available evidence is currently insufficient to determine the role of this variant in disease. Therefore, it has been classified as a Variant of Uncertain Significance. Algorithms developed to predict the effect of sequence changes on RNA splicing suggest that this variant is not likely to affect RNA splicing. This variant has not been reported in the literature in individuals affected with MTMR14-related conditions. This variant is not present in population databases (gnomAD no frequency). This sequence change affects codon 432 of the MTMR14 mRNA. It is a 'silent' change, meaning that it does not change the encoded amino acid sequence of the MTMR14 protein. It affects a nucleotide within the consensus splice site.

NM_001077525.3(MTMR14):c.1294A>C (p.Arg432=)

Gene: MTMR14 (myotubularin related protein 14; plus strand). Cytogenetic location: 3p25.3.
Variant type: single nucleotide variant.
Coding change: c.1294A>C on transcript NM_001077525.3 (MANE Select); coding-DNA position 1294, A replaced by C.
Protein change: p.Arg432=; no amino-acid change (arginine 432 retained).
Molecular consequence: synonymous variant. On other transcripts: non-coding transcript variant (9).
Genome position (GRCh38, 1-based): chr3:9,688,754, A>C. VCF-style: chr3-9688754-A-C. GRCh37 (hg19) VCF-style: chr3-9730438-A-C.
Other names: c.1294A>C, p.Arg432= (NM_001077526.3, NM_022485.5); c.1363A>C, p.Arg455= (NM_001400518.1, NM_001400521.1); c.1291A>C, p.Arg431= (NM_001400519.1, NM_001400522.1); c.1219A>C, p.Arg407= (NM_001400520.1, NM_001400523.1, NM_001400528.1); c.1048A>C, p.Arg350= (NM_001400524.1, NM_001400527.1, NM_001400530.1); c.1012A>C, p.Arg338= (NM_001400525.1, NM_001400529.1, NM_001400532.1); c.1288A>C, p.Arg430= (NM_001400526.1); c.1045A>C, p.Arg349= (NM_001400531.1); and 5 more.
Identifiers: ClinVar variation 2729101 (VCV002729101.3), dbSNP rs751647932, ClinGen allele CA69965119.